The following is an entry in ClinVar:

ClinVar aggregate classification (germline): Uncertain significance (1 of 4 stars; one submission).

Conditions:
Spermatogenic failure 20. Identifiers: MedGen C4539824, MONDO:0054724, OMIM 617593.

Allele frequency attached by ClinVar (database versions not stated): TOPMed below 0.00001; gnomAD 0.00001; gnomAD exomes 0.00001.
gnomAD v4.1: 20 of 1,614,134 alleles (0.0012%); highest among the groups gnomAD compares: Middle Eastern, 0.31%; no homozygotes.

Submission:

Baylor Genetics
Classification: Uncertain significance for Spermatogenic failure 20. Last evaluated: 2019-09-06. Review status: criteria provided, single submitter. Criteria: ACMG Guidelines, 2015. Collection method: clinical testing. Allele origin: unknown. Affected: yes.
Comment: This variant was determined to be of uncertain significance according to ACMG Guidelines, 2015 [PMID:25741868].

NM_001164496.2(CFAP44):c.316T>C (p.Ser106Pro)

Genes: CFAP44 (cilia and flagella associated protein 44; minus strand), CFAP44-AS1 (CFAP44 antisense RNA 1; plus strand), SPICE1-CFAP44 (SPICE1-CFAP44 readthrough (NMD candidate); minus strand). Cytogenetic location: 3q13.2.
Variant type: single nucleotide variant.
Coding change: c.316T>C on transcript NM_001164496.2 (MANE Select); coding-DNA position 316, T replaced by C.
Protein change: p.Ser106Pro; replaces serine 106 with proline.
Molecular consequence: missense variant.
Genome position (GRCh38, 1-based): chr3:113,426,215, A>G on the plus strand (T>C on the coding strand, the complement: CFAP44 is on the minus strand). VCF-style: chr3-113426215-A-G. GRCh37 (hg19) VCF-style: chr3-113145062-A-G.
Other names: c.316T>C, p.Ser106Pro (NM_018338.3); short protein forms S106P.
Identifiers: ClinVar variation 1030243 (VCV001030243.1), dbSNP rs749618390, ClinGen allele CA81567937.